The following is an entry in ClinVar:

ClinVar aggregate classification (germline): Pathogenic (1 of 4 stars; one submission).

Conditions:
Glucose-6-phosphate transport defect (GSD1B). Also called: Glycogen Storage Disease Type Ib; GSD Ib. Identifiers: Orphanet 364, Orphanet 79259, MedGen C0268146, MONDO:0009288, OMIM 232220.

Submission:

Labcorp Genetics (formerly Invitae), Labcorp
Classification: Pathogenic for Glucose-6-phosphate transport defect. Last evaluated: 2023-06-04. Review status: criteria provided, single submitter. Criteria: Invitae Variant Classification Sherloc (09022015). Collection method: clinical testing. Allele origin: germline.
Comment: This variant is not present in population databases (gnomAD no frequency). For these reasons, this variant has been classified as Pathogenic. This premature translational stop signal has been observed in individual(s) with glycogen storage disease type 1 (PMID: 10518030). This sequence change creates a premature translational stop signal (p.Trp137*) in the SLC37A4 gene. It is expected to result in an absent or disrupted protein product. Loss-of-function variants in SLC37A4 are known to be pathogenic (PMID: 9758626, 10940311).

Literature cited by the submitters: PubMed 10518030; PubMed 9758626; PubMed 10940311.

NM_001164277.2(SLC37A4):c.410G>A (p.Trp137Ter)

Gene: SLC37A4 (solute carrier family 37 member 4; minus strand). Cytogenetic location: 11q23.3.
Variant type: single nucleotide variant.
Coding change: c.410G>A on transcript NM_001164277.2 (MANE Select); coding-DNA position 410, G replaced by A.
Protein change: p.Trp137Ter; replaces tryptophan 137 with a stop codon.
Molecular consequence: nonsense.
Genome position (GRCh38, 1-based): chr11:119,027,844, C>T on the plus strand (G>A on the coding strand, the complement: SLC37A4 is on the minus strand). VCF-style: chr11-119027844-C-T. GRCh37 (hg19) VCF-style: chr11-118898554-C-T.
Other names: c.410G>A, p.Trp137Ter (NM_001164278.2, NM_001164280.2, NM_001467.6); c.191G>A, p.Trp64Ter (NM_001164279.2); short protein forms W137*, W64*.
Identifiers: ClinVar variation 2766006 (VCV002766006.3), dbSNP rs2497029597, ClinGen allele CA382903876.
Genomic context (GRCh38, chr11:119,027,844, plus strand): 5'-GTTGCCAGGATAGGGCCCAGCCCTCCAGCCAGGTTCATGCTGGTTGACAGGATGGCCCAC[C>T]AAGTGCCAAACTGAGATGGCTCAAACCACTGTGGGGCAGAGGGCGACACGTAGGTGTCCA-3'